The following is an entry in ClinVar:

ClinVar aggregate classification (germline): Uncertain significance (1 of 4 stars; one submission).

Conditions:
Developmental and epileptic encephalopathy, 53. Also called: Epileptic encephalopathy, early infantile, 53. Identifiers: MedGen C4479313, MONDO:0033362, OMIM 617389.
Early-onset Parkinson disease 20. Also called: PARKINSON DISEASE 20, AUTOSOMAL RECESSIVE EARLY-ONSET. Identifiers: Orphanet 391411, MedGen C3809824, MONDO:0014233, OMIM 615530.

Submission:

Labcorp Genetics (formerly Invitae), Labcorp
Classification: Uncertain significance for Developmental and epileptic encephalopathy, 53; Early-onset Parkinson disease 20. Last evaluated: 2023-04-24. Review status: criteria provided, single submitter. Criteria: Invitae Variant Classification Sherloc (09022015). Collection method: clinical testing. Allele origin: germline.
Comment: In summary, the available evidence is currently insufficient to determine the role of this variant in disease. Therefore, it has been classified as a Variant of Uncertain Significance. Experimental studies and prediction algorithms are not available or were not evaluated, and the functional significance of this variant is currently unknown. ClinVar contains an entry for this variant (Variation ID: 579422). This variant has not been reported in the literature in individuals affected with SYNJ1-related conditions. This variant is present in population databases (no rsID available, gnomAD 0.03%). This variant, c.3398_3403del, results in the deletion of 2 amino acid(s) of the SYNJ1 protein (p.Leu1133_Pro1134del), but otherwise preserves the integrity of the reading frame.

NM_203446.3(SYNJ1):c.3281_3286del (p.Leu1094_Pro1095del)

Gene: SYNJ1 (synaptojanin 1; minus strand). Cytogenetic location: 21q22.11.
Variant type: Deletion.
Coding change: c.3281_3286del on transcript NM_203446.3 (MANE Select); coding-DNA positions 3281 to 3286, 6 bases deleted (TGCCGC; older notation c.3281_3286delTGCCGC).
Protein change: p.Leu1094_Pro1095del.
Molecular consequence: inframe deletion. On other transcripts: inframe indel (2).
Genome position (GRCh38, 1-based): chr21:32,645,751-32,645,756, GCGGCA deleted on the plus strand (TGCCGC on the coding strand, the reverse complement: SYNJ1 is on the minus strand); deleting any 6 consecutive bases within chr21:32,645,751-32,645,761 gives the same sequence; the c. name uses the placement nearest the transcript's 3' end. VCF-style (leftmost placement, unchanged base first): chr21-32645750-TGCGGCA-T. GRCh37 (hg19) VCF-style: chr21-34018060-TGCGGCA-T.
Other names: c.3276_3281delGCCGCT, p.Leu1094_Pro1095del (NM_001160302.2); c.3266_3271del, p.Leu1089_Pro1090del (NM_001160306.2); c.3393_3398delGCCGCT, p.Leu1133_Pro1134del (NM_003895.4); c.3398_3403delTGCCGC (NM_003895.3).
Identifiers: ClinVar variation 579422 (VCV000579422.7), dbSNP rs1283379982, ClinGen allele CA637642750.